The following is an entry in ClinVar:

NM_022095.4(ZNF335):c.2289G>T (p.Glu763Asp)

Gene: ZNF335 (zinc finger protein 335; minus strand). Cytogenetic location: 20q13.12.
Variant type: single nucleotide variant.
Coding change: c.2289G>T on transcript NM_022095.4 (MANE Select); coding-DNA position 2289, G replaced by T.
Protein change: p.Glu763Asp; replaces glutamic acid 763 with aspartic acid.
Molecular consequence: missense variant.
Genome position (GRCh38, 1-based): chr20:45,957,893, C>A on the plus strand (G>T on the coding strand, the complement: ZNF335 is on the minus strand). VCF-style: chr20-45957893-C-A. GRCh37 (hg19) VCF-style: chr20-44586532-C-A.
Other names: c.2289G>T (NM_022095.3); short protein forms E763D.
Identifiers: ClinVar variation 1446985 (VCV001446985.8), dbSNP rs532614301, ClinGen allele CA9885413.

ClinVar aggregate classification (germline): Uncertain significance. Review status: criteria provided, multiple submitters, no conflicts (2 of 4 stars). 2 submissions from 2 submitters: Uncertain significance (2). Last evaluated 2024-10-26.

Conditions:
Inborn genetic diseases. Identifiers: MedGen C0950123, MeSH D030342.

Allele frequency attached by ClinVar (database versions not stated): gnomAD 0.00003; ExAC 0.00004.
gnomAD v4.1: 35 of 1,613,914 alleles (0.0022%); highest among the groups gnomAD compares: Non-Finnish European, 0.0029%; no homozygotes.

Submissions (2):

Labcorp Genetics (formerly Invitae), Labcorp
Classification: Uncertain significance. Last evaluated: 2024-10-26. Review status: criteria provided, single submitter. Criteria: Invitae Variant Classification Sherloc (09022015). Collection method: clinical testing. Allele origin: germline.
Comment: This sequence change replaces glutamic acid, which is acidic and polar, with aspartic acid, which is acidic and polar, at codon 763 of the ZNF335 protein (p.Glu763Asp). This variant is present in population databases (rs532614301, gnomAD 0.006%). This variant has not been reported in the literature in individuals affected with ZNF335-related conditions. ClinVar contains an entry for this variant (Variation ID: 1446985). Invitae Evidence Modeling of protein sequence and biophysical properties (such as structural, functional, and spatial information, amino acid conservation, physicochemical variation, residue mobility, and thermodynamic stability) indicates that this missense variant is not expected to disrupt ZNF335 protein function with a negative predictive value of 80%. In summary, the available evidence is currently insufficient to determine the role of this variant in disease. Therefore, it has been classified as a Variant of Uncertain Significance.

Ambry Genetics
Classification: Uncertain significance for Inborn genetic diseases. Last evaluated: 2022-07-08. Review status: criteria provided, single submitter. Criteria: Ambry Variant Classification Scheme 2023. Collection method: clinical testing. Allele origin: germline.